The following is an entry in ClinVar:

NM_007272.3(CTRC):c.437A>T (p.Asp146Val)

Gene: CTRC (chymotrypsin C; plus strand). Cytogenetic location: 1p36.21.
Variant type: single nucleotide variant.
Coding change: c.437A>T on transcript NM_007272.3 (MANE Select); coding-DNA position 437, A replaced by T.
Protein change: p.Asp146Val; replaces aspartic acid 146 with valine.
Molecular consequence: missense variant.
Genome position (GRCh38, 1-based): chr1:15,443,499, A>T. VCF-style: chr1-15443499-A-T. GRCh37 (hg19) VCF-style: chr1-15769994-A-T.
Other names: short protein forms D146V.
Identifiers: ClinVar variation 1740136 (VCV001740136.2), dbSNP rs2526297264, ClinGen allele CA338566191.
Genomic context (GRCh38, chr1:15,443,499, plus strand): 5'-AGCTTGCAGAGCATGTGGAGCTGAGTGACACCATCCAGGTGGCCTGCCTGCCAGAGAAGG[A>T]CTCCCTGCTCCCCAAGGACTACCCCTGCTATGTCACCGGCTGGGGCCGCCTCTGGAGTGA-3'
Protein context (NP_009203.2, residues 136-156): TIQVACLPEK[Asp146Val]SLLPKDYPCY

ClinVar aggregate classification (germline): Uncertain significance (1 of 4 stars; one submission).

Conditions:
Hereditary pancreatitis (PCTT). Also called: Hereditary chronic pancreatitis; PRSS1-Related Hereditary Pancreatitis. Identifiers: Orphanet 676, MedGen C0238339, MONDO:0008185, OMIM 167800.

Allele frequency attached by ClinVar (database versions not stated): gnomAD exomes below 0.00001.
gnomAD v4.1: 1 of 1,613,786 alleles (0.000062%); highest among the groups gnomAD compares: Non-Finnish European, 0.000085%; no homozygotes.

Submission:

Ambry Genetics
Classification: Uncertain significance for Hereditary pancreatitis. Last evaluated: 2024-02-29. Review status: criteria provided, single submitter. Criteria: Ambry Variant Classification Scheme 2023. Collection method: clinical testing. Allele origin: germline.
Comment: The p.D146V variant (also known as c.437A>T), located in coding exon 5 of the CTRC gene, results from an A to T substitution at nucleotide position 437. The aspartic acid at codon 146 is replaced by valine, an amino acid with highly dissimilar properties. This amino acid position is conserved. In addition, this alteration is predicted to be tolerated by in silico analysis. Since supporting evidence is limited at this time, the clinical significance of this alteration remains unclear.